The following is an entry in ClinVar:

ClinVar aggregate classification (germline): Pathogenic. Review status: criteria provided, multiple submitters, no conflicts (2 of 4 stars). 2 submissions from 2 submitters: Pathogenic (2). Last evaluated 2022-05-11.

Conditions:
Severe intellectual disability-progressive spastic diplegia syndrome (NEDSDV). Also called: NEURODEVELOPMENTAL DISORDER WITH SPASTIC DIPLEGIA AND VISUAL DEFECTS; CTNNB1 Neurodevelopmental Disorder. Identifiers: Orphanet 404473, MedGen C3554449, MONDO:0014035, OMIM 615075.

Submissions (2):

Baylor Genetics
Classification: Pathogenic for Severe intellectual disability-progressive spastic diplegia syndrome. Last evaluated: 2022-05-11. Review status: criteria provided, single submitter. Criteria: ACMG Guidelines, 2015. Collection method: clinical testing. Allele origin: unknown.

GeneDx
Classification: Pathogenic. Last evaluated: 2016-02-22. Review status: criteria provided, single submitter. Criteria: GeneDx Variant Classification (06012015). Collection method: clinical testing. Allele origin: germline. Affected: yes.
Comment: The Y654X pathogenic variant in the CTNNB1 gene has not been reported previously as a pathogenic variant nor as a benign variant, to our knowledge. This variant is predicted to cause loss of normal protein function either through protein truncation or nonsense-mediated mRNA decay. The Y654X variant was not observed in approximately 6500 individuals of European and African American ancestry in the NHLBI Exome Sequencing Project, indicating it is not a common benign variant in these populations. We interpret Y654X as a pathogenic variant.

NM_001904.4(CTNNB1):c.1962T>G (p.Tyr654Ter)

Gene: CTNNB1 (catenin beta 1; plus strand). Cytogenetic location: 3p22.1.
Variant type: single nucleotide variant.
Coding change: c.1962T>G on transcript NM_001904.4 (MANE Select); coding-DNA position 1962, T replaced by G.
Protein change: p.Tyr654Ter; replaces tyrosine 654 with a stop codon.
Molecular consequence: nonsense.
Genome position (GRCh38, 1-based): chr3:41,236,595, T>G. VCF-style: chr3-41236595-T-G. GRCh37 (hg19) VCF-style: chr3-41278086-T-G.
Other names: c.1962T>G, p.Tyr654Ter (NM_001098209.2, NM_001098210.2); c.1941T>G, p.Tyr647Ter (NM_001330729.2); short protein forms Y654*, Y647*.
Identifiers: ClinVar variation 280346 (VCV000280346.3), dbSNP rs750402920, ClinGen allele CA10602905.
Genomic context (GRCh38, chr3:41,236,595, plus strand): 5'-GTACATTGAAGTCTCAGTTTTTCCTCAAGGGCCTTTTTCTCCTTGTCTCTTAGCGACATA[T>G]GCAGCTGCTGTTTTGTTCCGAATGTCTGAGGACAAGCCACAAGATTACAAGAAACGGCTT-3'